The following is an entry in ClinVar:

ClinVar aggregate classification (germline): Uncertain significance (1 of 4 stars; one submission).

Conditions:
Candidiasis, familial, 9 (CANDF9). Identifiers: Orphanet 1334, MedGen C4225324, MONDO:0014642, OMIM 616445.

Allele frequency attached by ClinVar (database versions not stated): gnomAD exomes 0.00002; ExAC 0.00006; gnomAD 0.00012; TOPMed 0.00013; ESP Exome Variant Server 0.00015; 1000 Genomes Project 30x 0.00047; 1000 Genomes Project 0.00060.
gnomAD v4.1: 47 of 1,614,234 alleles (0.0029%); highest among the groups gnomAD compares: African/African-American, 0.059%; no homozygotes.

Submission:

Labcorp Genetics (formerly Invitae), Labcorp
Classification: Uncertain significance for Candidiasis, familial, 9. Last evaluated: 2025-12-26. Review status: criteria provided, single submitter. Criteria: Invitae Variant Classification Sherloc (09022015). Collection method: clinical testing. Allele origin: germline.
Comment: This sequence change replaces glutamine, which is neutral and polar, with arginine, which is basic and polar, at codon 54 of the IL17RC protein (p.Gln54Arg). This variant is present in population databases (rs139130574, gnomAD 0.05%). This variant has not been reported in the literature in individuals affected with IL17RC-related conditions. ClinVar contains an entry for this variant (Variation ID: 2155150). An algorithm developed to predict the effect of missense changes on protein structure and function outputs the following: PolyPhen-2: "Benign". The arginine amino acid residue is found in multiple mammalian species, which suggests that this missense change does not adversely affect protein function. In summary, the available evidence is currently insufficient to determine the role of this variant in disease. Therefore, it has been classified as a Variant of Uncertain Significance.

NM_153460.4(IL17RC):c.105+56A>G

Gene: IL17RC (interleukin 17 receptor C; plus strand). Cytogenetic location: 3p25.3.
Variant type: single nucleotide variant.
Coding change: c.105+56A>G on transcript NM_153460.4 (MANE Select); 56 bases into the intron after coding-DNA position 105, A replaced by G.
Molecular consequence: intron variant. On other transcripts: missense variant (1).
Genome position (GRCh38, 1-based): chr3:9,917,476, A>G. VCF-style: chr3-9917476-A-G. GRCh37 (hg19) VCF-style: chr3-9959160-A-G.
Other names: c.161A>G, p.Gln54Arg (NM_153461.4); c.105+56A>G (NM_001203263.2, NM_001203264.2, NM_001367278.1 and 4 more transcripts); short protein forms Q54R.
Identifiers: ClinVar variation 2155150 (VCV002155150.4), dbSNP rs139130574, ClinGen allele CA2246666.